The following is an entry in ClinVar:

ClinVar aggregate classification (germline): Uncertain significance (1 of 4 stars; one submission).

Conditions:
Proteinuria, chronic benign. Identifiers: MedGen C5394384, MONDO:0030042, OMIM 618884.
Imerslund-Grasbeck syndrome type 1 (IGS1). Also called: MEGALOBLASTIC ANEMIA, 1; Imerslund-Gräsbeck syndrome 1; Megaloblastic anemia 1, Finnish type. Identifiers: MedGen C4016819, MONDO:0100156, OMIM 261100.

Allele frequency attached by ClinVar (database versions not stated): gnomAD exomes below 0.00001.
gnomAD v4.1: 1 of 1,614,100 alleles (0.000062%); highest among the groups gnomAD compares: Non-Finnish European, 0.000085%; no homozygotes.

Submission:

New York Genome Center
Classification: Uncertain significance for Proteinuria, chronic benign; Imerslund-Grasbeck syndrome type 1. Last evaluated: 2021-10-01. Review status: criteria provided, single submitter. Criteria: NYGC Assertion Criteria 2020. Collection method: clinical testing. Allele origin: inherited. Observed: 1 variant allele. Study: CSER-NYCKidSeq.
Comment: The inherited heterozygous missense variant c.3605C>T (p.Ala1202Val) identified in exon 25 (of 67) of the CUBN gene has not beenreported in affected individuals the literature. The variant is absent in the gnomAD(v3) database suggesting it is not a common benign variant in the populations represented in that database. Two heterozygous missense variants resulting in a different amino acid change (p.Ala1202Ser and p.Ala1202Thr) at this codon have been reported as variant of uncertain significance and/or likely benign in ClinVar (Variation ID: 877581 and 299487). The affected residue (Ala1202) is not conserved.In silico tools provide conflicting predictions about pathogenicity of this variant (CADD score = 22.00, REVEL score = 0.100). Due to the lack of compelling evidencefor its pathogenicity, the heterozygous c.3605C>T (p.Ala1202Val) missense variant identified in the CUBN gene is reported as a Variant of Uncertain Significance.

NM_001081.4(CUBN):c.3605C>T (p.Ala1202Val)

Gene: CUBN (cubilin; minus strand). Cytogenetic location: 10p13.
Variant type: single nucleotide variant.
Coding change: c.3605C>T on transcript NM_001081.4 (MANE Select); coding-DNA position 3605, C replaced by T.
Protein change: p.Ala1202Val; replaces alanine 1202 with valine.
Molecular consequence: missense variant.
Genome position (GRCh38, 1-based): chr10:17,045,074, G>A on the plus strand (C>T on the coding strand, the complement: CUBN is on the minus strand). VCF-style: chr10-17045074-G-A. GRCh37 (hg19) VCF-style: chr10-17087073-G-A.
Other names: short protein forms A1202V.
Identifiers: ClinVar variation 1701633 (VCV001701633.2), dbSNP rs1835097031, ClinGen allele CA376148483.
Genomic context (GRCh38, chr10:17,045,074, plus strand): 5'-TAATCTAAAGTGCAGTTTGGATGATGCTCCAAGTGAAAGTCTTTGAATTCCAGTTCAAAT[G>A]CGCTGCCGTGGCTAGATTTCAACCACCAGTAGCATTCAGAGCTGTGGTAATAGGGCATCG-3'
Protein context (NP_001072.2, residues 1192-1212): YWWLKSSHGS[Ala1202Val]FELEFKDFHL